The following is an entry in ClinVar:

ClinVar aggregate classification (germline): Pathogenic (1 of 4 stars; one submission).

Conditions:
Alstrom syndrome (ALMS). Identifiers: Orphanet 64, MedGen C0268425, MONDO:0008763, OMIM 203800.

Submission:

Labcorp Genetics (formerly Invitae), Labcorp
Classification: Pathogenic for Alstrom syndrome. Last evaluated: 2021-07-25. Review status: criteria provided, single submitter. Criteria: Invitae Variant Classification Sherloc (09022015). Collection method: clinical testing. Allele origin: germline.
Comment: This sequence change creates a premature translational stop signal (p.Asp2955Alafs*19) in the ALMS1 gene. It is expected to result in an absent or disrupted protein product. Loss-of-function variants in ALMS1 are known to be pathogenic (PMID: 17594715). This variant is not present in population databases (ExAC no frequency). This variant has not been reported in the literature in individuals affected with ALMS1-related conditions. For these reasons, this variant has been classified as Pathogenic.

Literature cited by the submitters: PubMed 17594715.

NM_001378454.1(ALMS1):c.8858_8859insAGCTATAGAATCCTCA (p.Asp2954fs)

Gene: ALMS1 (ALMS1 centrosome and basal body associated protein; plus strand). Cytogenetic location: 2p13.1.
Variant type: Insertion.
Coding change: c.8858_8859insAGCTATAGAATCCTCA on transcript NM_001378454.1 (MANE Select); coding-DNA positions 8858 to 8859, AGCTATAGAATCCTCA inserted.
Protein change: p.Asp2954fs; shifts the reading frame from aspartic acid 2954.
Molecular consequence: frameshift variant.
Genome position: GRCh38 VCF-style: chr2-73490814-G-GTCAAGCTATAGAATCC. GRCh37 (hg19) VCF-style: chr2-73717941-G-GTCAAGCTATAGAATCC.
Other names: c.8861_8862insAGCTATAGAATCCTCA, p.Asp2955fs (NM_015120.4); short protein forms D2954fs, D2955fs.
Identifiers: ClinVar variation 1381588 (VCV001381588.6), dbSNP rs2103893636, ClinGen allele CA2573135780.